The following is an entry in ClinVar:

ClinVar aggregate classification (germline): Uncertain significance (1 of 4 stars; one submission).

Submission:

GeneDx
Classification: Uncertain significance. Last evaluated: 2025-02-24. Review status: criteria provided, single submitter. Criteria: GeneDx Variant Classification Process June 2021. Collection method: clinical testing. Allele origin: germline. Affected: yes.
Comment: Not observed at significant frequency in large population cohorts (gnomAD); In silico analysis supports that this missense variant has a deleterious effect on protein structure/function; Has not been previously published as pathogenic or benign to our knowledge

NM_144973.4(DENND5B):c.3817G>C (p.Asp1273His)

Gene: DENND5B (DENN domain containing 5B; minus strand). Cytogenetic location: 12p11.21.
Variant type: single nucleotide variant.
Coding change: c.3817G>C on transcript NM_144973.4 (MANE Select); coding-DNA position 3817, G replaced by C.
Protein change: p.Asp1273His; replaces aspartic acid 1273 with histidine.
Molecular consequence: missense variant.
Genome position (GRCh38, 1-based): chr12:31,387,611, C>G on the plus strand (G>C on the coding strand, the complement: DENND5B is on the minus strand). VCF-style: chr12-31387611-C-G. GRCh37 (hg19) VCF-style: chr12-31540545-C-G.
Other names: c.3922G>C, p.Asp1308His (NM_001308339.2); short protein forms D1273H, D1308H.
Identifiers: ClinVar variation 4076763 (VCV004076763.1).